The following is an entry in ClinVar:

NM_005157.6(ABL1):c.277_279delinsCAG (p.Tyr93Gln)

Gene: ABL1 (ABL proto-oncogene 1, non-receptor tyrosine kinase; plus strand). Cytogenetic location: 9q34.12.
Variant type: Indel.
Coding change: c.277_279delinsCAG on transcript NM_005157.6 (MANE Select); coding-DNA positions 277 to 279, TAT replaced by CAG.
Protein change: p.Tyr93Gln; replaces tyrosine 93 with glutamine.
Molecular consequence: missense variant.
Genome position (GRCh38, 1-based): chr9:130,854,824-130,854,826, TAT replaced by CAG. VCF-style: chr9-130854824-TAT-CAG. GRCh37 (hg19) VCF-style: chr9-133730211-TAT-CAG.
Other names: c.334_336delinsCAG, p.Tyr112Gln (NM_007313.3); short protein forms Y112Q, Y93Q.
Identifiers: ClinVar variation 3731075 (VCV003731075.1).

ClinVar aggregate classification (germline): Uncertain significance (1 of 4 stars; one submission).

Submission:

GeneDx
Classification: Uncertain significance. Last evaluated: 2024-08-09. Review status: criteria provided, single submitter. Criteria: GeneDx Variant Classification Process June 2021. Collection method: clinical testing. Allele origin: germline. Affected: yes.
Comment: In silico analysis supports a deleterious effect on protein structure/function; Has not been previously published as pathogenic or benign to our knowledge